The following is an entry in ClinVar:

NC_000014.9:g.(?_66915983)_(66916089_?)dup

Gene: GPHN (gephyrin; plus strand). Cytogenetic location: 14q23.3.
Variant type: Duplication.
Identifiers: ClinVar variation 831196 (VCV000831196.3).

ClinVar aggregate classification (germline): Likely pathogenic (1 of 4 stars; one submission).

Conditions:
Sulfite oxidase deficiency due to molybdenum cofactor deficiency type C. Also called: Molybdenum cofactor deficiency, complementation group C; Molybdenum cofactor deficiency C. Identifiers: Orphanet 308400, Orphanet 833, MedGen C1854990, MONDO:0014212, OMIM 615501.

Submission:

Labcorp Genetics (formerly Invitae), Labcorp
Classification: Likely pathogenic for Sulfite oxidase deficiency due to molybdenum cofactor deficiency type C. Last evaluated: 2020-02-24. Review status: criteria provided, single submitter. Criteria: Invitae Variant Classification Sherloc (09022015). Collection method: clinical testing. Allele origin: germline.
Comment: In summary, the currently available evidence indicates that the variant is pathogenic, but additional data are needed to prove that conclusively. Therefore, this variant has been classified as Likely Pathogenic. Loss-of-function variants in GPHN are known to be pathogenic (PMID: 11095995, 23184456, 23393157). This variant has not been reported in the literature in individuals with GPHN-related conditions. This variant results in a copy number gain of the genomic region encompassing exon 6 of the GPHN gene. While the exact position of this variant cannot be determined from this data, sub-genic copy number gains are generally in tandem (PMID: 25640679) and may result in an absent or disrupted protein product.

Literature cited by the submitters: PubMed 11095995; PubMed 23184456; PubMed 23393157; PubMed 25640679.